The following is an entry in ClinVar:

NM_001035.3(RYR2):c.10067T>A (p.Leu3356Gln)

Gene: RYR2 (ryanodine receptor 2; plus strand). Cytogenetic location: 1q43.
Variant type: single nucleotide variant.
Coding change: c.10067T>A on transcript NM_001035.3 (MANE Select); coding-DNA position 10067, T replaced by A.
Protein change: p.Leu3356Gln; replaces leucine 3356 with glutamine.
Molecular consequence: missense variant.
Genome position (GRCh38, 1-based): chr1:237,709,023, T>A. VCF-style: chr1-237709023-T-A. GRCh37 (hg19) VCF-style: chr1-237872323-T-A.
Other names: short protein forms L3356Q.
Identifiers: ClinVar variation 1783709 (VCV001783709.7), dbSNP rs1688606372, ClinGen allele CA345410953.

ClinVar aggregate classification (germline): Uncertain significance. Review status: criteria provided, multiple submitters, no conflicts (2 of 4 stars). 3 submissions from 3 submitters: Uncertain significance (3). Last evaluated 2025-03-12.

Conditions:
Catecholaminergic polymorphic ventricular tachycardia 1. Also called: VENTRICULAR TACHYCARDIA, CATECHOLAMINERGIC POLYMORPHIC, 1, WITH OR WITHOUT ATRIAL DYSFUNCTION AND/OR DILATED CARDIOMYOPATHY; VENTRICULAR TACHYCARDIA, STRESS-INDUCED POLYMORPHIC 1; RYR2-Related Catecholaminergic Polymorphic Ventricular Tachycardia. Identifiers: Orphanet 3286, MedGen C1631597, MONDO:0011484, OMIM 604772.
Cardiovascular phenotype. Identifiers: MedGen CN230736.
Cardiomyopathy (CMYO). Also called: Cardiomyopathies. Identifiers: Orphanet 167848, MedGen C0878544, MONDO:0004994, HP:0001638. Inheritance: Various modes of inheritance.

Allele frequency attached by ClinVar (database versions not stated): gnomAD exomes below 0.00001; gnomAD 0.00001; TOPMed 0.00001.
gnomAD v4.1: 3 of 1,611,336 alleles (0.00019%); highest among the groups gnomAD compares: Non-Finnish European, 0.00025%; no homozygotes.

Submissions (3):

Ambry Genetics
Classification: Uncertain significance for Cardiovascular phenotype. Last evaluated: 2025-03-12. Review status: criteria provided, single submitter. Criteria: Ambry Variant Classification Scheme 2023. Collection method: clinical testing. Allele origin: germline.
Comment: The p.L3356Q variant (also known as c.10067T>A), located in coding exon 69 of the RYR2 gene, results from a T to A substitution at nucleotide position 10067. The leucine at codon 3356 is replaced by glutamine, an amino acid with dissimilar properties. This amino acid position is well conserved in available vertebrate species. In addition, the in silico prediction for this alteration is inconclusive. Since supporting evidence is limited at this time, the clinical significance of this alteration remains unclear.

Labcorp Genetics (formerly Invitae), Labcorp
Classification: Uncertain significance for Catecholaminergic polymorphic ventricular tachycardia 1. Last evaluated: 2024-04-10. Review status: criteria provided, single submitter. Criteria: Invitae Variant Classification Sherloc (09022015). Collection method: clinical testing. Allele origin: germline.
Comment: This sequence change replaces leucine, which is neutral and non-polar, with glutamine, which is neutral and polar, at codon 3356 of the RYR2 protein (p.Leu3356Gln). This variant is not present in population databases (gnomAD no frequency). This variant has not been reported in the literature in individuals affected with RYR2-related conditions. ClinVar contains an entry for this variant (Variation ID: 1783709). Advanced modeling of protein sequence and biophysical properties (such as structural, functional, and spatial information, amino acid conservation, physicochemical variation, residue mobility, and thermodynamic stability) performed at Invitae indicates that this missense variant is not expected to disrupt RYR2 protein function with a negative predictive value of 95%. In summary, the available evidence is currently insufficient to determine the role of this variant in disease. Therefore, it has been classified as a Variant of Uncertain Significance.

Color Diagnostics, LLC DBA Color Health
Classification: Uncertain significance for Cardiomyopathy. Last evaluated: 2024-02-06. Review status: criteria provided, single submitter. Criteria: ACMG Guidelines, 2015. Collection method: clinical testing. Allele origin: germline.
Comment: This missense variant replaces leucine with glutamine at codon 3356 of the RYR2 protein. Computational prediction is inconclusive regarding the impact of this variant on protein structure and function. To our knowledge, functional studies have not been reported for this variant. This variant has not been reported in individuals affected with RYR2-related disorders in the literature. This variant has not been identified in the general population by the Genome Aggregation Database (gnomAD). The available evidence is insufficient to determine the role of this variant in disease conclusively. Therefore, this variant is classified as a Variant of Uncertain Significance.